The following is an entry in ClinVar:

ClinVar aggregate classification (germline): Pathogenic (1 of 4 stars; one submission).

Submission:

Labcorp Genetics (formerly Invitae), Labcorp
Classification: Pathogenic. Last evaluated: 2022-09-21. Review status: criteria provided, single submitter. Criteria: Invitae Variant Classification Sherloc (09022015). Collection method: clinical testing. Allele origin: germline.
Comment: This variant has not been reported in the literature in individuals affected with ASPM-related conditions. This sequence change creates a premature translational stop signal (p.Leu391*) in the ASPM gene. It is expected to result in an absent or disrupted protein product. Loss-of-function variants in ASPM are known to be pathogenic (PMID: 19028728, 23611254). This variant is not present in population databases (gnomAD no frequency). For these reasons, this variant has been classified as Pathogenic.

Literature cited by the submitters: PubMed 19028728; PubMed 23611254.

NM_018136.5(ASPM):c.1172T>A (p.Leu391Ter)

Gene: ASPM (assembly factor for spindle microtubules; minus strand). Cytogenetic location: 1q31.3.
Variant type: single nucleotide variant.
Coding change: c.1172T>A on transcript NM_018136.5 (MANE Select); coding-DNA position 1172, T replaced by A.
Protein change: p.Leu391Ter; replaces leucine 391 with a stop codon.
Molecular consequence: nonsense.
Genome position (GRCh38, 1-based): chr1:197,143,080, A>T on the plus strand (T>A on the coding strand, the complement: ASPM is on the minus strand). VCF-style: chr1-197143080-A-T. GRCh37 (hg19) VCF-style: chr1-197112210-A-T.
Other names: c.1172T>A, p.Leu391Ter (NM_001206846.2); short protein forms L391*.
Identifiers: ClinVar variation 2031642 (VCV002031642.4), dbSNP rs2527403897, ClinGen allele CA344017347.